The following is an entry in ClinVar:

NM_012293.3(PXDN):c.2568dup (p.Cys857fs)

Gene: PXDN (peroxidasin; minus strand). Cytogenetic location: 2p25.3.
Variant type: Duplication.
Coding change: c.2568dup on transcript NM_012293.3 (MANE Select); coding-DNA position 2568, one base duplicated (C; older notation c.2568dupC).
Protein change: p.Cys857fs; shifts the reading frame from cysteine 857.
Molecular consequence: frameshift variant.
Genome position (GRCh38, 1-based): chr2:1,649,212, G duplicated on the plus strand (C on the coding strand, the reverse complement: PXDN is on the minus strand); the first of 7 consecutive G bases (chr2:1,649,212-1,649,218); duplicating any one gives the same sequence. VCF-style (leftmost placement, unchanged base first): chr2-1649211-A-AG. GRCh37 (hg19) VCF-style: chr2-1652983-A-AG.
Other names: short protein forms C857fs.
Identifiers: ClinVar variation 3610735 (VCV003610735.2).

ClinVar aggregate classification (germline): Pathogenic (1 of 4 stars; one submission).

Conditions:
Anterior segment dysgenesis 7 (ASGD7). Also called: Anterior segment dysgenesis 7, with sclerocornea; SCLEROCORNEA WITH OTHER OCULAR ANOMALIES. Identifiers: Orphanet 289499, MedGen C3151617, MONDO:0010015, OMIM 269400.

Submission:

Labcorp Genetics (formerly Invitae), Labcorp
Classification: Pathogenic for Anterior segment dysgenesis 7. Last evaluated: 2024-02-07. Review status: criteria provided, single submitter. Criteria: Invitae Variant Classification Sherloc (09022015). Collection method: clinical testing. Allele origin: germline.
Comment: This sequence change creates a premature translational stop signal (p.Cys857Leufs*10) in the PXDN gene. It is expected to result in an absent or disrupted protein product. Loss-of-function variants in PXDN are known to be pathogenic (PMID: 21907015, 24939590). The frequency data for this variant in the population databases is considered unreliable, as metrics indicate poor data quality at this position in the gnomAD database. This variant has not been reported in the literature in individuals affected with PXDN-related conditions. For these reasons, this variant has been classified as Pathogenic.

Literature cited by the submitters: PubMed 21907015; PubMed 24939590.